The following is an entry in ClinVar:

ClinVar aggregate classification (germline): Pathogenic (1 of 4 stars; one submission).

Submission:

GeneDx
Classification: Pathogenic. Last evaluated: 2017-11-08. Review status: criteria provided, single submitter. Criteria: GeneDx Variant Classification (06012015). Collection method: clinical testing. Allele origin: germline. Affected: yes.
Comment: The Y678X nonsense variant in the EXT1 gene has been reported previously in association with hereditary multiple exostoses (Jennes et al., 2009). The Y678X variant is not observed in large population cohorts (Lek et al., 2016). This pathogenic variant is predicted to cause loss of normal protein function through protein truncation as the last 69 amino acids, encoding part of the substrate binding region, are removed. We interpret this variant as pathogenic.

NM_000127.3(EXT1):c.2034T>G (p.Tyr678Ter)

Gene: EXT1 (exostosin glycosyltransferase 1; minus strand). Cytogenetic location: 8q24.11.
Variant type: single nucleotide variant.
Coding change: c.2034T>G on transcript NM_000127.3 (MANE Select); coding-DNA position 2034, T replaced by G.
Protein change: p.Tyr678Ter; replaces tyrosine 678 with a stop codon.
Molecular consequence: nonsense.
Genome position (GRCh38, 1-based): chr8:117,804,743, A>C on the plus strand (T>G on the coding strand, the complement: EXT1 is on the minus strand). VCF-style: chr8-117804743-A-C. GRCh37 (hg19) VCF-style: chr8-118816982-A-C.
Other names: short protein forms Y678*.
Identifiers: ClinVar variation 488826 (VCV000488826.2), dbSNP rs1554657213, ClinGen allele CA371876849.